The following is an entry in ClinVar:

NM_005051.3(QARS1):c.1435C>T (p.Pro479Ser)

Gene: QARS1 (glutaminyl-tRNA synthetase 1; minus strand). Cytogenetic location: 3p21.31.
Variant type: single nucleotide variant.
Coding change: c.1435C>T on transcript NM_005051.3 (MANE Select); coding-DNA position 1435, C replaced by T.
Protein change: p.Pro479Ser; replaces proline 479 with serine.
Molecular consequence: missense variant. On other transcripts: non-coding transcript variant (1).
Genome position (GRCh38, 1-based): chr3:49,099,601, G>A on the plus strand (C>T on the coding strand, the complement: QARS1 is on the minus strand). VCF-style: chr3-49099601-G-A. GRCh37 (hg19) VCF-style: chr3-49137034-G-A.
Other names: c.1402C>T, p.Pro468Ser (NM_001272073.2); short protein forms P468S, P479S.
Identifiers: ClinVar variation 1472517 (VCV001472517.6), dbSNP rs766391690, ClinGen allele CA2391749.

ClinVar aggregate classification (germline): Uncertain significance (1 of 4 stars; one submission).

Conditions:
Diffuse cerebral and cerebellar atrophy - intractable seizures - progressive microcephaly syndrome. Also called: Microcephaly, progressive, with seizures and cerebral and cerebellar atrophy. Identifiers: Orphanet 404437, MedGen C4014239, MONDO:0014335, OMIM 615760.

Allele frequency attached by ClinVar (database versions not stated): gnomAD 0.00001; gnomAD exomes 0.00001 and 0.00002; TOPMed 0.00001; ExAC 0.00003.
gnomAD v4.1: 18 of 1,614,004 alleles (0.0011%); highest among the groups gnomAD compares: Non-Finnish European, 0.0014%; no homozygotes.

Submission:

Labcorp Genetics (formerly Invitae), Labcorp
Classification: Uncertain significance for Diffuse cerebral and cerebellar atrophy - intractable seizures - progressive microcephaly syndrome. Last evaluated: 2022-11-15. Review status: criteria provided, single submitter. Criteria: Invitae Variant Classification Sherloc (09022015). Collection method: clinical testing. Allele origin: germline.
Comment: In summary, the available evidence is currently insufficient to determine the role of this variant in disease. Therefore, it has been classified as a Variant of Uncertain Significance. Algorithms developed to predict the effect of missense changes on protein structure and function (SIFT, PolyPhen-2, Align-GVGD) all suggest that this variant is likely to be disruptive. ClinVar contains an entry for this variant (Variation ID: 1472517). This variant has not been reported in the literature in individuals affected with QARS-related conditions. This variant is present in population databases (rs766391690, gnomAD 0.004%). This sequence change replaces proline, which is neutral and non-polar, with serine, which is neutral and polar, at codon 479 of the QARS protein (p.Pro479Ser).